The following is an entry in ClinVar:

NM_023036.6(DNAI2):c.1515_1600del (p.Arg505_Arg506insTer)

Gene: DNAI2 (dynein axonemal intermediate chain 2; plus strand). Cytogenetic location: 17q25.1.
Variant type: Deletion.
Coding change: c.1515_1600del on transcript NM_023036.6 (MANE Select); coding-DNA positions 1515 to 1600, 86 bases deleted.
Protein change: p.Arg505_Arg506insTer.
Molecular consequence: frameshift variant.
Genome position (GRCh38, 1-based): chr17:74,312,023-74,312,108, 86 bases deleted. GRCh37 (hg19): chr17:72,308,162-72,308,247.
Other names: c.1479_1564del, p.Arg493_Arg494insTer (NM_001172810.3); c.1515_1600del, p.Arg505_Arg506insTer (NM_001353167.2).
Identifiers: ClinVar variation 3633147 (VCV003633147.2).

ClinVar aggregate classification (germline): Pathogenic (1 of 4 stars; one submission).

Conditions:
Primary ciliary dyskinesia. Also called: Ciliary dyskinesia. Identifiers: Orphanet 244, MedGen C0008780, MONDO:0016575, HP:0012265.

Submission:

Labcorp Genetics (formerly Invitae), Labcorp
Classification: Pathogenic for Primary ciliary dyskinesia. Last evaluated: 2024-10-07. Review status: criteria provided, single submitter. Criteria: Invitae Variant Classification Sherloc (09022015). Collection method: clinical testing. Allele origin: germline.
Comment: This sequence change creates a premature translational stop signal (p.Arg506*) in the DNAI2 gene. It is expected to result in an absent or disrupted protein product. Loss-of-function variants in DNAI2 are known to be pathogenic (PMID: 18950741, 23891469). This variant is not present in population databases (gnomAD no frequency). This variant has not been reported in the literature in individuals affected with DNAI2-related conditions. For these reasons, this variant has been classified as Pathogenic.

Literature cited by the submitters: PubMed 18950741; PubMed 23891469.